The following is an entry in ClinVar:

NM_007050.6(PTPRT):c.3313G>A (p.Glu1105Lys)

Gene: PTPRT (protein tyrosine phosphatase receptor type T; minus strand). Cytogenetic location: 20q12.
Variant type: single nucleotide variant.
Coding change: c.3313G>A on transcript NM_007050.6 (MANE Select); coding-DNA position 3313, G replaced by A.
Protein change: p.Glu1105Lys; replaces glutamic acid 1105 with lysine.
Molecular consequence: missense variant.
Genome position (GRCh38, 1-based): chr20:42,106,863, C>T on the plus strand (G>A on the coding strand, the complement: PTPRT is on the minus strand). VCF-style: chr20-42106863-C-T. GRCh37 (hg19) VCF-style: chr20-40735503-C-T.
Other names: c.3370G>A, p.Glu1124Lys (NM_001394024.1, NM_133170.4); c.3337G>A, p.Glu1113Lys (NM_001394025.1); c.3310G>A, p.Glu1104Lys (NM_001394026.1); short protein forms E1104K, E1105K, E1113K, E1124K.
Identifiers: ClinVar variation 2652339 (VCV002652339.24), dbSNP rs763584414, ClinGen allele CA9863920.

ClinVar aggregate classification (germline): Uncertain significance (1 of 4 stars; one submission).

Allele frequency attached by ClinVar (database versions not stated): ExAC 0.00001; gnomAD 0.00001.
gnomAD v4.1: 18 of 1,614,026 alleles (0.0011%); highest among the groups gnomAD compares: Admixed American, 0.0017%; no homozygotes.

Submission:

CeGaT Center for Human Genetics Tuebingen
Classification: Uncertain significance. Last evaluated: 2022-07-01. Review status: criteria provided, single submitter. Criteria: CeGaT Center For Human Genetics Tuebingen Variant Classification Criteria Version 2. Collection method: clinical testing. Allele origin: germline. Affected: yes. Observed: 1 variant allele.
Comment: PTPRT: PP2